The following is an entry in ClinVar:

ClinVar aggregate classification (germline): Uncertain significance. Review status: criteria provided, multiple submitters, no conflicts (2 of 4 stars). 2 submissions from 2 submitters: Uncertain significance (2). Last evaluated 2026-07-03.

Conditions:
Inborn genetic diseases. Identifiers: MedGen C0950123, MeSH D030342.

gnomAD v4.1: 1 of 1,613,926 alleles (0.000062%); highest among the groups gnomAD compares: African/African-American, 0.0013%; no homozygotes.

Submissions (2):

Ambry Genetics
Classification: Uncertain significance for Inborn genetic diseases. Last evaluated: 2026-07-03. Review status: criteria provided, single submitter. Criteria: Ambry Variant Classification Scheme 2023. Collection method: clinical testing. Allele origin: germline.

Labcorp Genetics (formerly Invitae), Labcorp
Classification: Uncertain significance. Last evaluated: 2024-08-05. Review status: criteria provided, single submitter. Criteria: Invitae Variant Classification Sherloc (09022015). Collection method: clinical testing. Allele origin: germline.
Comment: This sequence change replaces serine, which is neutral and polar, with asparagine, which is neutral and polar, at codon 1070 of the STAG1 protein (p.Ser1070Asn). This variant is not present in population databases (gnomAD no frequency). This variant has not been reported in the literature in individuals affected with STAG1-related conditions. Advanced modeling of protein sequence and biophysical properties (such as structural, functional, and spatial information, amino acid conservation, physicochemical variation, residue mobility, and thermodynamic stability) performed at Invitae indicates that this missense variant is not expected to disrupt STAG1 protein function with a negative predictive value of 95%. In summary, the available evidence is currently insufficient to determine the role of this variant in disease. Therefore, it has been classified as a Variant of Uncertain Significance.

NM_005862.3(STAG1):c.3209G>A (p.Ser1070Asn)

Gene: STAG1 (STAG1 cohesin complex component; minus strand). Cytogenetic location: 3q22.3.
Variant type: single nucleotide variant.
Coding change: c.3209G>A on transcript NM_005862.3 (MANE Select); coding-DNA position 3209, G replaced by A.
Protein change: p.Ser1070Asn; replaces serine 1070 with asparagine.
Molecular consequence: missense variant.
Genome position (GRCh38, 1-based): chr3:136,349,220, C>T on the plus strand (G>A on the coding strand, the complement: STAG1 is on the minus strand). VCF-style: chr3-136349220-C-T. GRCh37 (hg19) VCF-style: chr3-136068062-C-T.
Other names: c.3209G>A (NM_005862.2); short protein forms S1070N.
Identifiers: ClinVar variation 3635797 (VCV003635797.3).